The following is an entry in ClinVar:

NM_003108.4(SOX11):c.199A>G (p.Ile67Val)

Gene: SOX11 (SRY-box transcription factor 11; plus strand). Cytogenetic location: 2p25.2.
Variant type: single nucleotide variant.
Coding change: c.199A>G on transcript NM_003108.4 (MANE Select); coding-DNA position 199, A replaced by G.
Protein change: p.Ile67Val; replaces isoleucine 67 with valine.
Molecular consequence: missense variant.
Genome position (GRCh38, 1-based): chr2:5,692,920, A>G. VCF-style: chr2-5692920-A-G. GRCh37 (hg19) VCF-style: chr2-5833052-A-G.
Other names: short protein forms I67V.
Identifiers: ClinVar variation 2987638 (VCV002987638.3), dbSNP rs1284756290, ClinGen allele CA345866163.

ClinVar aggregate classification (germline): Uncertain significance (1 of 4 stars; one submission).

Allele frequency attached by ClinVar (database versions not stated): gnomAD exomes 0.00003.
gnomAD v4.1: 41 of 1,614,100 alleles (0.0025%); highest among the groups gnomAD compares: Non-Finnish European, 0.0035%; no homozygotes.

Submission:

Labcorp Genetics (formerly Invitae), Labcorp
Classification: Uncertain significance. Last evaluated: 2025-04-08. Review status: criteria provided, single submitter. Criteria: Invitae Variant Classification Sherloc (09022015). Collection method: clinical testing. Allele origin: germline.
Comment: This sequence change replaces isoleucine, which is neutral and non-polar, with valine, which is neutral and non-polar, at codon 67 of the SOX11 protein (p.Ile67Val). This variant is present in population databases (no rsID available, gnomAD 0.0009%). This variant has not been reported in the literature in individuals affected with SOX11-related conditions. ClinVar contains an entry for this variant (Variation ID: 2987638). Invitae Evidence Modeling of protein sequence and biophysical properties (such as structural, functional, and spatial information, amino acid conservation, physicochemical variation, residue mobility, and thermodynamic stability) indicates that this missense variant is expected to disrupt SOX11 protein function with a positive predictive value of 95%. In summary, the available evidence is currently insufficient to determine the role of this variant in disease. Therefore, it has been classified as a Variant of Uncertain Significance.